The following is an entry in ClinVar:

ClinVar aggregate classification (germline): Uncertain significance (1 of 4 stars; one submission).

gnomAD v4.1: 1 of 1,612,206 alleles (0.000062%); highest among the groups gnomAD compares: Non-Finnish European, 0.000085%; no homozygotes.

Submission:

Labcorp Genetics (formerly Invitae), Labcorp
Classification: Uncertain significance. Last evaluated: 2025-02-12. Review status: criteria provided, single submitter. Criteria: Invitae Variant Classification Sherloc (09022015). Collection method: clinical testing. Allele origin: germline.
Comment: This sequence change replaces aspartic acid, which is acidic and polar, with valine, which is neutral and non-polar, at codon 375 of the PCNT protein (p.Asp375Val). This variant is present in population databases (rs771689442, gnomAD 0.0009%). This variant has not been reported in the literature in individuals affected with PCNT-related conditions. An algorithm developed to predict the effect of missense changes on protein structure and function (PolyPhen-2) suggests that this variant is likely to be tolerated. In summary, the available evidence is currently insufficient to determine the role of this variant in disease. Therefore, it has been classified as a Variant of Uncertain Significance.

NM_006031.6(PCNT):c.1124A>T (p.Asp375Val)

Gene: PCNT (pericentrin; plus strand). Cytogenetic location: 21q22.3.
Variant type: single nucleotide variant.
Coding change: c.1124A>T on transcript NM_006031.6 (MANE Select); coding-DNA position 1124, A replaced by T.
Protein change: p.Asp375Val; replaces aspartic acid 375 with valine.
Molecular consequence: missense variant.
Genome position (GRCh38, 1-based): chr21:46,349,103, A>T. VCF-style: chr21-46349103-A-T. GRCh37 (hg19) VCF-style: chr21-47769017-A-T.
Other names: c.770A>T, p.Asp257Val (NM_001315529.2); short protein forms D375V, D257V.
Identifiers: ClinVar variation 4712289 (VCV004712289.1).